The following is an entry in ClinVar:

ClinVar aggregate classification (germline): Likely benign (1 of 4 stars; one submission).

Allele frequency attached by ClinVar (database versions not stated): 1000 Genomes Project 30x 0.00031; 1000 Genomes Project 0.00040; TOPMed 0.00113; gnomAD 0.00116; gnomAD exomes 0.00144; ExAC 0.00172; ESP Exome Variant Server 0.00189.
gnomAD v4.1: 2,271 of 1,613,904 alleles (0.14%); highest among the groups gnomAD compares: Non-Finnish European, 0.17%; 3 homozygotes.

Submission:

CeGaT Center for Human Genetics Tuebingen
Classification: Likely benign. Last evaluated: 2022-10-01. Review status: criteria provided, single submitter. Criteria: CeGaT Center For Human Genetics Tuebingen Variant Classification Criteria Version 2. Collection method: clinical testing. Allele origin: germline. Affected: yes. Observed: 1 variant allele.
Comment: RAPGEF2: BP4, BP7

NM_001394067.2(RAPGEF2):c.880T>C (p.Leu294=)

Gene: RAPGEF2 (Rap guanine nucleotide exchange factor 2; plus strand). Cytogenetic location: 4q32.1.
Variant type: single nucleotide variant.
Coding change: c.880T>C on transcript NM_001394067.2 (MANE Select); coding-DNA position 880, T replaced by C.
Protein change: p.Leu294=; no amino-acid change (leucine 294 retained).
Molecular consequence: synonymous variant.
Genome position (GRCh38, 1-based): chr4:159,322,373, T>C. VCF-style: chr4-159322373-T-C. GRCh37 (hg19) VCF-style: chr4-160243525-T-C.
Other names: c.880T>C, p.Leu294= (NM_001351724.5); c.532T>C, p.Leu178= (NM_001351725.2, NM_001351726.3); c.397T>C, p.Leu133= (NM_001351727.4, NM_001351728.4, NM_014247.5).
Identifiers: ClinVar variation 2655160 (VCV002655160.24), dbSNP rs61758815, ClinGen allele CA3124391.